The following is an entry in ClinVar:

ClinVar aggregate classification (germline): Pathogenic (1 of 4 stars; one submission).

Submissions (2):

GeneDx
Classification: Pathogenic. Last evaluated: 2025-12-03. Review status: criteria provided, single submitter. Criteria: GeneDx Variant Classification Process June 2021. Collection method: clinical testing. Allele origin: germline. Affected: yes.
Comment: Canonical splice site variant predicted to result in a null allele in a gene for which loss of function is a known mechanism of disease; Not observed at significant frequency in large population cohorts (gnomAD); This variant is associated with the following publications: (PMID: 35982159, 33057194)

Dr. Peter K. Rogan Lab, Western University
No classification provided (evidence only). Condition: Ovarian serous cystadenocarcinoma. Review status: no classification provided. Collection method: in vitro. Allele origin: not applicable. Functional consequence: retained intron. Not counted in ClinVar's aggregate classification.

NM_001374828.1(ARID1B):c.3235+1G>A

Gene: ARID1B (AT-rich interaction domain 1B; plus strand). Cytogenetic location: 6q25.3.
Variant type: single nucleotide variant.
Coding change: c.3235+1G>A on transcript NM_001374828.1 (MANE Select); the canonical splice donor site of the intron after coding-DNA position 3235, G replaced by A.
Molecular consequence: splice donor variant.
Genome position (GRCh38, 1-based): chr6:157,167,186, G>A. VCF-style: chr6-157167186-G-A. GRCh37 (hg19) VCF-style: chr6-157488320-G-A.
Other names: NC_000006.11:g.157488320G>A; c.3274+1G>A (NM_001371656.1, NM_001374820.1); c.3235+1G>A (NM_017519.3); c.736+1G>A (NM_001363725.2); c.3025+1G>A (NM_020732.3).
Identifiers: ClinVar variation 265627 (VCV000265627.5), dbSNP rs886039679, ClinGen allele CA10588411.